The following is an entry in ClinVar:

NM_000038.6(APC):c.*405dup

Gene: APC (APC regulator of Wnt signaling pathway; plus strand). Cytogenetic location: 5q22.2.
Variant type: Duplication.
Coding change: c.*405dup on transcript NM_000038.6 (MANE Select); 405 bases downstream of the stop codon, one base duplicated (C; older notation c.*405dupC).
Molecular consequence: 3 prime UTR variant.
Genome position (GRCh38, 1-based): chr5:112,844,531, C duplicated. VCF-style (leftmost placement, unchanged base first): chr5-112844530-G-GC. GRCh37 (hg19) VCF-style: chr5-112180227-G-GC.
Other names: c.*405dup (NM_001127510.3, NM_001127511.3, NM_001354895.2 and 31 more transcripts).
Identifiers: ClinVar variation 1711608 (VCV001711608.30), dbSNP rs761465527, ClinGen allele CA124936682.

ClinVar aggregate classification (germline): Likely benign (1 of 4 stars; one submission).

Allele frequency attached by ClinVar (database versions not stated): 1000 Genomes Project 30x 0.00016; TOPMed 0.00046; gnomAD exomes 0.00066; gnomAD 0.00090.

Submission:

CeGaT Center for Human Genetics Tuebingen
Classification: Likely benign. Last evaluated: 2024-07-01. Review status: criteria provided, single submitter. Criteria: CeGaT Center For Human Genetics Tuebingen Variant Classification Criteria Version 2. Collection method: clinical testing. Allele origin: germline. Affected: yes. Observed: 7 variant alleles.
Comment: APC: BS1